The following is an entry in ClinVar:

ClinVar aggregate classification (germline): Uncertain significance (1 of 4 stars; one submission).

Conditions:
Granulomatous disease, chronic, autosomal recessive, cytochrome b-positive, type 2. Also called: GRANULOMATOUS DISEASE, CHRONIC, DUE TO NCF2 DEFICIENCY; GRANULOMATOUS DISEASE, CHRONIC, AUTOSOMAL RECESSIVE, 2; Chronic Granulomatous Disease, Autosomal Recessive, Cytochrome b-Positive, Type II; Chronic granulomatous disease due to deficiency of NCF-2; CGD, AUTOSOMAL RECESSIVE CYTOCHROME b-POSITIVE, TYPE II. Identifiers: Orphanet 379, MedGen C1856245, MONDO:0009310, OMIM 233710.

Allele frequency attached by ClinVar (database versions not stated): gnomAD exomes below 0.00001 and 0.00001; gnomAD 0.00001; ExAC 0.00002.

Submission:

Labcorp Genetics (formerly Invitae), Labcorp
Classification: Uncertain significance for Granulomatous disease, chronic, autosomal recessive, cytochrome b-positive, type 2. Last evaluated: 2022-04-10. Review status: criteria provided, single submitter. Criteria: Invitae Variant Classification Sherloc (09022015). Collection method: clinical testing. Allele origin: germline.
Comment: This variant disrupts the p.Ala97 amino acid residue in NCF2. Other variant(s) that disrupt this residue have been observed in individuals with NCF2-related conditions (PMID: 32281309; Invitae), which suggests that this may be a clinically significant amino acid residue. In summary, the available evidence is currently insufficient to determine the role of this variant in disease. Therefore, it has been classified as a Variant of Uncertain Significance. Algorithms developed to predict the effect of missense changes on protein structure and function are either unavailable or do not agree on the potential impact of this missense change (SIFT: "Tolerated"; PolyPhen-2: "Probably Damaging"; Align-GVGD: "Class C0"). ClinVar contains an entry for this variant (Variation ID: 1026026). This variant has not been reported in the literature in individuals affected with NCF2-related conditions. This variant is present in population databases (rs755222977, gnomAD 0.004%). This sequence change replaces alanine, which is neutral and non-polar, with glycine, which is neutral and non-polar, at codon 97 of the NCF2 protein (p.Ala97Gly).

Literature cited by the submitters: PubMed 32281309.

NM_000433.4(NCF2):c.290C>G (p.Ala97Gly)

Gene: NCF2 (neutrophil cytosolic factor 2; minus strand). Cytogenetic location: 1q25.3.
Variant type: single nucleotide variant.
Coding change: c.290C>G on transcript NM_000433.4 (MANE Select); coding-DNA position 290, C replaced by G.
Protein change: p.Ala97Gly; replaces alanine 97 with glycine.
Molecular consequence: missense variant.
Genome position (GRCh38, 1-based): chr1:183,577,675, G>C on the plus strand (C>G on the coding strand, the complement: NCF2 is on the minus strand). VCF-style: chr1-183577675-G-C. GRCh37 (hg19) VCF-style: chr1-183546810-G-C.
Other names: c.290C>G, p.Ala97Gly (NM_001127651.3, NM_001190789.2, NM_001190794.2); short protein forms A97G.
Identifiers: ClinVar variation 1026026 (VCV001026026.9), dbSNP rs755222977, ClinGen allele CA1285009.
Genomic context (GRCh38, chr1:183,577,675, plus strand): 5'-TTGAACTGGAGCCCCAGGATCTTATAGTCTATCAGCTGGTTCCCTCGAAGCTGAATCAAG[G>C]CTTCTTTAAGGTCTTTGATAGCCAAATCATATCTGCAGGACAGAGGGAGAAAATACAGCA-3'
Protein context (NP_000424.2, residues 87-107): YDLAIKDLKE[Ala97Gly]LIQLRGNQLI